The following is an entry in ClinVar:

ClinVar aggregate classification (germline): Uncertain significance. Review status: criteria provided, multiple submitters, no conflicts (2 of 4 stars). 2 submissions from 2 submitters: Uncertain significance (2). Last evaluated 2020-11-17.

Conditions:
Frontotemporal dementia and/or amyotrophic lateral sclerosis 6 (FTDALS6). Also called: VCP-Related Amyotrophic Lateral Sclerosis/Frontotemporal Dementia; VCP-Related Amyotrophic Lateral Sclerosis. Identifiers: Orphanet 275872, Orphanet 803, MedGen C5436279, MONDO:0013501, OMIM 613954.
Inclusion body myopathy with Paget disease of bone and frontotemporal dementia. Also called: Inclusion body myopathy with early-onset Paget disease and frontotemporal dementia. Identifiers: Orphanet 52430, MedGen C1833662, MONDO:0000507.

Submissions (2):

Revvity Omics, Revvity
Classification: Uncertain significance. Last evaluated: 2020-11-17. Review status: criteria provided, single submitter. Criteria: ACMG Guidelines, 2015. Collection method: clinical testing. Allele origin: germline.

Labcorp Genetics (formerly Invitae), Labcorp
Classification: Uncertain significance for Inclusion body myopathy with Paget disease of bone and frontotemporal dementia; Frontotemporal dementia and/or amyotrophic lateral sclerosis 6. Last evaluated: 2019-12-13. Review status: criteria provided, single submitter. Criteria: Invitae Variant Classification Sherloc (09022015). Collection method: clinical testing. Allele origin: germline.
Comment: This variant has not been reported in the literature in individuals with VCP-related conditions. This variant is not present in population databases (ExAC no frequency). This sequence change replaces glycine with alanine at codon 782 of the VCP protein (p.Gly782Ala). The glycine residue is moderately conserved and there is a small physicochemical difference between glycine and alanine. Algorithms developed to predict the effect of missense changes on protein structure and function are either unavailable or do not agree on the potential impact of this missense change (SIFT: "Not Available"; PolyPhen-2: "Benign"; Align-GVGD: "Not Available"). In summary, the available evidence is currently insufficient to determine the role of this variant in disease. Therefore, it has been classified as a Variant of Uncertain Significance.

NM_007126.5(VCP):c.2345G>C (p.Gly782Ala)

Gene: VCP (valosin containing protein; minus strand). Cytogenetic location: 9p13.3.
Variant type: single nucleotide variant.
Coding change: c.2345G>C on transcript NM_007126.5 (MANE Select); coding-DNA position 2345, G replaced by C.
Protein change: p.Gly782Ala; replaces glycine 782 with alanine.
Molecular consequence: missense variant.
Genome position (GRCh38, 1-based): chr9:35,057,193, C>G on the plus strand (G>C on the coding strand, the complement: VCP is on the minus strand). VCF-style: chr9-35057193-C-G. GRCh37 (hg19) VCF-style: chr9-35057190-C-G.
Other names: c.2210G>C, p.Gly737Ala (NM_001354927.2, NM_001354928.2); short protein forms G782A, G737A.
Identifiers: ClinVar variation 835129 (VCV000835129.11), dbSNP rs1828626335, ClinGen allele CA373268464.
Genomic context (GRCh38, chr9:35,057,193, plus strand): 5'-TCATCATTGTCTTCTGTGTATACACTGCCACCTGTGCCGCCTCCACTGCCCTGACTGGGG[C>G]CAGCTCCACCCTGGTTCCCTGAAGGGAATCTGTGTACAAGAGCAAAGCCAAAAAAGAGGG-3'
Protein context (NP_009057.1, residues 772-792): RFPSGNQGGA[Gly782Ala]PSQGSGGGTG